The following is an entry in ClinVar:

ClinVar aggregate classification (germline): Uncertain significance (1 of 4 stars; one submission).

Conditions:
Epileptic encephalopathy. Identifiers: MedGen C0543888, HP:0200134.

Allele frequency attached by ClinVar (database versions not stated): ExAC 0.00001; TOPMed 0.00002; gnomAD exomes 0.00001; gnomAD 0.00002.
gnomAD v4.1: 16 of 1,610,996 alleles (0.00099%); highest among the groups gnomAD compares: Admixed American, 0.0067%; no homozygotes.

Submission:

Labcorp Genetics (formerly Invitae), Labcorp
Classification: Uncertain significance for Epileptic encephalopathy. Last evaluated: 2022-07-05. Review status: criteria provided, single submitter. Criteria: Invitae Variant Classification Sherloc (09022015). Collection method: clinical testing. Allele origin: germline.
Comment: This variant is present in population databases (rs766700534, gnomAD 0.009%). In summary, the available evidence is currently insufficient to determine the role of this variant in disease. Therefore, it has been classified as a Variant of Uncertain Significance. Algorithms developed to predict the effect of missense changes on protein structure and function (SIFT, PolyPhen-2, Align-GVGD) all suggest that this variant is likely to be tolerated. ClinVar contains an entry for this variant (Variation ID: 576693). This variant has not been reported in the literature in individuals affected with RYR3-related conditions. This sequence change replaces aspartic acid, which is acidic and polar, with glutamic acid, which is acidic and polar, at codon 240 of the RYR3 protein (p.Asp240Glu).

NM_001036.6(RYR3):c.720C>A (p.Asp240Glu)

Gene: RYR3 (ryanodine receptor 3; plus strand). Cytogenetic location: 15q14.
Variant type: single nucleotide variant.
Coding change: c.720C>A on transcript NM_001036.6 (MANE Select); coding-DNA position 720, C replaced by A.
Protein change: p.Asp240Glu; replaces aspartic acid 240 with glutamic acid.
Molecular consequence: missense variant.
Genome position (GRCh38, 1-based): chr15:33,543,695, C>A. VCF-style: chr15-33543695-C-A. GRCh37 (hg19) VCF-style: chr15-33835896-C-A.
Other names: c.720C>A, p.Asp240Glu (NM_001243996.4); short protein forms D240E.
Identifiers: ClinVar variation 576693 (VCV000576693.11), dbSNP rs766700534, ClinGen allele CA7457906.